The following is an entry in ClinVar:

ClinVar aggregate classification (germline): Uncertain significance (1 of 4 stars; one submission).

gnomAD v4.1: 1 of 1,609,476 alleles (0.000062%); highest among the groups gnomAD compares: South Asian, 0.0011%; no homozygotes.

Submission:

GeneDx
Classification: Uncertain significance. Last evaluated: 2024-03-25. Review status: criteria provided, single submitter. Criteria: GeneDx Variant Classification Process June 2021. Collection method: clinical testing. Allele origin: germline. Affected: yes.
Comment: Identified in an individual with a neurodevelopmental disorder, however segregation and detailed clinical information were not provided (PMID: 33004838); In silico analysis supports that this missense variant has a deleterious effect on protein structure/function; Not observed at significant frequency in large population cohorts (gnomAD); This variant is associated with the following publications: (PMID: 33004838)

NM_013436.5(NCKAP1):c.1603G>A (p.Glu535Lys)

Gene: NCKAP1 (NCK associated protein 1; minus strand). Cytogenetic location: 2q32.1.
Variant type: single nucleotide variant.
Coding change: c.1603G>A on transcript NM_013436.5 (MANE Select); coding-DNA position 1603, G replaced by A.
Protein change: p.Glu535Lys; replaces glutamic acid 535 with lysine.
Molecular consequence: missense variant.
Genome position (GRCh38, 1-based): chr2:182,967,241, C>T on the plus strand (G>A on the coding strand, the complement: NCKAP1 is on the minus strand). VCF-style: chr2-182967241-C-T. GRCh37 (hg19) VCF-style: chr2-183831969-C-T.
Other names: c.1621G>A, p.Glu541Lys (NM_205842.3); short protein forms E535K, E541K.
Identifiers: ClinVar variation 3342301 (VCV003342301.1).